The following is an entry in ClinVar:

NM_170606.3(KMT2C):c.7302A>T (p.Arg2434Ser)

Gene: KMT2C (lysine methyltransferase 2C; minus strand). Cytogenetic location: 7q36.1.
Variant type: single nucleotide variant.
Coding change: c.7302A>T on transcript NM_170606.3 (MANE Select); coding-DNA position 7302, A replaced by T.
Protein change: p.Arg2434Ser; replaces arginine 2434 with serine.
Molecular consequence: missense variant.
Genome position (GRCh38, 1-based): chr7:152,179,974, T>A on the plus strand (A>T on the coding strand, the complement: KMT2C is on the minus strand). VCF-style: chr7-152179974-T-A. GRCh37 (hg19) VCF-style: chr7-151877059-T-A.
Other names: short protein forms R2434S.
Identifiers: ClinVar variation 3378081 (VCV003378081.1).

ClinVar aggregate classification (germline): Uncertain significance (1 of 4 stars; one submission).

gnomAD v4.1: 1 of 1,613,560 alleles (0.000062%); highest among the groups gnomAD compares: Non-Finnish European, 0.000085%; no homozygotes.

Submission:

GeneDx
Classification: Uncertain significance. Last evaluated: 2024-05-17. Review status: criteria provided, single submitter. Criteria: GeneDx Variant Classification Process June 2021. Collection method: clinical testing. Allele origin: germline. Affected: yes.
Comment: Not observed at significant frequency in large population cohorts (gnomAD); In silico analysis supports that this missense variant has a deleterious effect on protein structure/function; Has not been previously published as pathogenic or benign to our knowledge